The following is an entry in ClinVar:

NM_002972.4(SBF1):c.2122G>A (p.Ala708Thr)

Gene: SBF1 (SET binding factor 1; minus strand). Cytogenetic location: 22q13.33.
Variant type: single nucleotide variant.
Coding change: c.2122G>A on transcript NM_002972.4 (MANE Select); coding-DNA position 2122, G replaced by A.
Protein change: p.Ala708Thr; replaces alanine 708 with threonine.
Molecular consequence: missense variant.
Genome position (GRCh38, 1-based): chr22:50,462,564, C>T on the plus strand (G>A on the coding strand, the complement: SBF1 is on the minus strand). VCF-style: chr22-50462564-C-T. GRCh37 (hg19) VCF-style: chr22-50900993-C-T.
Other names: c.2125G>A, p.Ala709Thr (NM_001365819.1); c.2122G>A (NM_002972.2); short protein forms A709T, A708T.
Identifiers: ClinVar variation 1351178 (VCV001351178.4), dbSNP rs747193603, ClinGen allele CA10317359.

ClinVar aggregate classification (germline): Uncertain significance. Review status: criteria provided, multiple submitters, no conflicts (2 of 4 stars). 2 submissions from 2 submitters: Uncertain significance (2). Last evaluated 2025-02-12.

Allele frequency attached by ClinVar (database versions not stated): gnomAD exomes 0.00001 and 0.00002; ExAC 0.00003; gnomAD 0.00003 and 0.00004; TOPMed 0.00004.
gnomAD v4.1: 16 of 1,609,440 alleles (0.00099%); highest among the groups gnomAD compares: African/African-American, 0.0067%; no homozygotes.

Submissions (2):

Ambry Genetics
Classification: Uncertain significance. Last evaluated: 2025-02-12. Review status: criteria provided, single submitter. Criteria: Ambry Variant Classification Scheme 2023. Collection method: clinical testing. Allele origin: germline.

Labcorp Genetics (formerly Invitae), Labcorp
Classification: Uncertain significance. Last evaluated: 2021-10-23. Review status: criteria provided, single submitter. Criteria: Invitae Variant Classification Sherloc (09022015). Collection method: clinical testing. Allele origin: germline.
Comment: This sequence change replaces alanine with threonine at codon 708 of the SBF1 protein (p.Ala708Thr). The alanine residue is weakly conserved and there is a small physicochemical difference between alanine and threonine. The frequency data for this variant in the population databases is considered unreliable, as metrics indicate poor data quality at this position in the ExAC database. This variant has not been reported in the literature in individuals affected with SBF1-related conditions. Algorithms developed to predict the effect of missense changes on protein structure and function output the following: SIFT: "Tolerated"; PolyPhen-2: "Benign"; Align-GVGD: "Class C0". The threonine amino acid residue is found in multiple mammalian species, which suggests that this missense change does not adversely affect protein function. In summary, the available evidence is currently insufficient to determine the role of this variant in disease. Therefore, it has been classified as a Variant of Uncertain Significance.